The following is an entry in ClinVar:

NM_018089.3(ANKZF1):c.1883G>A (p.Arg628Gln)

Gene: ANKZF1 (ankyrin repeat and zinc finger peptidyl tRNA hydrolase 1; plus strand). Cytogenetic location: 2q35.
Variant type: single nucleotide variant.
Coding change: c.1883G>A on transcript NM_018089.3 (MANE Select); coding-DNA position 1883, G replaced by A.
Protein change: p.Arg628Gln; replaces arginine 628 with glutamine.
Molecular consequence: missense variant.
Genome position (GRCh38, 1-based): chr2:219,235,787, G>A. VCF-style: chr2-219235787-G-A. GRCh37 (hg19) VCF-style: chr2-220100509-G-A.
Other names: c.1883G>A, p.Arg628Gln (NM_001042410.2); c.1253G>A, p.Arg418Gln (NM_001282792.2); c.1883G>A (NM_018089.2); short protein forms R628Q, R418Q.
Identifiers: ClinVar variation 1422250 (VCV001422250.8), dbSNP rs544276732, ClinGen allele CA2121218.
Genomic context (GRCh38, chr2:219,235,787, plus strand): 5'-CAGAAATGGAGGCACGGCAGGCTACACGGAAAAGGGAGCAGAAGGCAGCCCGGCGGCAAC[G>A]GGAGGAACAGCAGCAGAGGCAGCAGGAGCAGGAGGAGCGTGAACGAGAAGAGCAGCGGCG-3'
Protein context (NP_060559.2, residues 618-638): KREQKAARRQ[Arg628Gln]EEQQQRQQEQ

ClinVar aggregate classification (germline): Uncertain significance. Review status: criteria provided, multiple submitters, no conflicts (2 of 4 stars). 2 submissions from 2 submitters: Uncertain significance (2). Last evaluated 2025-12-15.

Allele frequency attached by ClinVar (database versions not stated): gnomAD 0.00001 and 0.00002; gnomAD exomes 0.00002 and 0.00003; ExAC 0.00003; TOPMed 0.00003; 1000 Genomes Project 30x 0.00016; 1000 Genomes Project 0.00020.
gnomAD v4.1: 26 of 1,614,228 alleles (0.0016%); highest among the groups gnomAD compares: Admixed American, 0.0067%; no homozygotes.

Submissions (2):

Labcorp Genetics (formerly Invitae), Labcorp
Classification: Uncertain significance. Last evaluated: 2025-12-15. Review status: criteria provided, single submitter. Criteria: Invitae Variant Classification Sherloc (09022015). Collection method: clinical testing. Allele origin: germline.
Comment: This sequence change replaces arginine, which is basic and polar, with glutamine, which is neutral and polar, at codon 628 of the ANKZF1 protein (p.Arg628Gln). This variant is present in population databases (rs544276732, gnomAD 0.01%). This variant has not been reported in the literature in individuals affected with ANKZF1-related conditions. ClinVar contains an entry for this variant (Variation ID: 1422250). An algorithm developed to predict the effect of missense changes on protein structure and function outputs the following: PolyPhen-2: "Probably Damaging". The glutamine amino acid residue is found in multiple mammalian species, which suggests that this missense change does not adversely affect protein function. In summary, the available evidence is currently insufficient to determine the role of this variant in disease. Therefore, it has been classified as a Variant of Uncertain Significance.

Ambry Genetics
Classification: Uncertain significance. Last evaluated: 2025-05-03. Review status: criteria provided, single submitter. Criteria: Ambry Variant Classification Scheme 2023. Collection method: clinical testing. Allele origin: germline.